The following is an entry in ClinVar:

ClinVar aggregate classification (germline): Pathogenic. Review status: reviewed by expert panel (3 of 4 stars). 9 submissions from 9 submitters: Pathogenic (1). 8 of the submissions do not count toward it. Last evaluated 2016-10-18.

Conditions:
Hereditary cancer-predisposing syndrome. Also called: Tumor predisposition; Neoplastic Syndromes, Hereditary; Hereditary neoplastic syndrome; Hereditary Cancer Syndrome. Identifiers: Orphanet 140162, MedGen C0027672, MeSH D009386, MONDO:0015356.
Familial cancer of breast. Also called: Hereditary breast cancer; BREAST CANCER, FAMILIAL; hereditary breast carcinoma. Identifiers: Orphanet 227535, MedGen C0346153, MONDO:0016419, OMIM 114480. Disease mechanism: loss of function.
Hereditary breast ovarian cancer syndrome. Also called: Hereditary breast and ovarian cancer; Hereditary breast and ovarian cancer syndrome (HBOC); Hereditary breast and/or ovarian cancer syndrome; Breast and ovarian cancer; Hereditary breast and ovarian cancer syndrome; BRCA1- and BRCA2-Associated Hereditary Breast and Ovarian Cancer. Identifiers: Orphanet 145, MedGen C0677776, MeSH D061325, MONDO:0003582. Disease mechanism: loss of function.
Breast-ovarian cancer, familial, susceptibility to, 2 (BROVCA2). Also called: BRCA2 Hereditary Breast and Ovarian Cancer. Identifiers: Orphanet 145, MedGen C2675520, MONDO:0012933, OMIM 612555. Disease mechanism: loss of function.

Submissions (9):

Evidence-based Network for the Interpretation of Germline Mutant Alleles (ENIGMA)
Classification: Pathogenic for Breast-ovarian cancer, familial, susceptibility to, 2. Last evaluated: 2016-10-18. Review status: reviewed by expert panel. Criteria: ENIGMA BRCA1/2 Classification Criteria (2015). Collection method: curation. Allele origin: germline.
Comment: Variant allele predicted to encode a truncated non-functional protein.

GeneDx
Classification: Pathogenic. Last evaluated: 2025-05-16. Review status: criteria provided, single submitter. Criteria: GeneDx Variant Classification Process June 2021. Collection method: clinical testing. Allele origin: germline. Affected: yes. Not counted in ClinVar's aggregate classification.
Comment: Not observed at significant frequency in large population cohorts (gnomAD); Frameshift variant predicted to result in protein truncation or nonsense mediated decay in a gene for which loss of function is a known mechanism of disease; Truncating variants in this gene are considered pathogenic by a well-established clinical consortium and/or database; Also known as c.3758_3761del; This variant is associated with the following publications: (PMID: 35312039, 18465347, 17250666, 33471991, 29446198, 10359546, 27882536, 35469032)

Color Diagnostics, LLC DBA Color Health
Classification: Pathogenic for Hereditary cancer-predisposing syndrome. Last evaluated: 2025-01-13. Review status: criteria provided, single submitter. Criteria: ACMG Guidelines, 2015. Collection method: clinical testing. Allele origin: germline. Not counted in ClinVar's aggregate classification.
Comment: This variant deletes 4 nucleotides in exon 11 of the BRCA2 gene, creating a frameshift and premature translation stop signal. This variant is expected to result in an absent or non-functional protein product. This variant has been reported in at least two individuals affected with breast cancer (PMID: 10359546, 23704984) and at least 9 suspected hereditary breast and ovarian cancer families (PMID: 18465347, 27882536, 29446198). This variant also has been detected in a breast cancer case-control meta-analysis in 4/60466 cases and 1/53461 unaffected controls (PMID: 33471991; Leiden Open Variation Database DB-ID BRCA2_004513). This variant has not been identified in the general population by the Genome Aggregation Database (gnomAD). Loss of BRCA2 function is a known mechanism of disease. Based on the available evidence, this variant is classified as Pathogenic.

Labcorp Genetics (formerly Invitae), Labcorp
Classification: Pathogenic for Hereditary breast ovarian cancer syndrome. Last evaluated: 2024-09-30. Review status: criteria provided, single submitter. Criteria: Invitae Variant Classification Sherloc (09022015). Collection method: clinical testing. Allele origin: germline. Not counted in ClinVar's aggregate classification.
Comment: This sequence change creates a premature translational stop signal (p.Asp1177Alafs*19) in the BRCA2 gene. It is expected to result in an absent or disrupted protein product. Loss-of-function variants in BRCA2 are known to be pathogenic (PMID: 20104584). This variant is not present in population databases (gnomAD no frequency). This premature translational stop signal has been observed in individual(s) with clinical features of hereditary breast and/or ovarian cancer (PMID: 27882536). This variant is also known as c.3528_3531delAGAC. ClinVar contains an entry for this variant (Variation ID: 266757). For these reasons, this variant has been classified as Pathogenic.

Department of Clinical Genetics, Copenhagen University Hospital, Rigshospitalet
Classification: Pathogenic for Breast-ovarian cancer, familial, susceptibility to, 2. Last evaluated: 2024-05-27. Review status: criteria provided, single submitter. Criteria: ACMG Guidelines, 2015. Collection method: clinical testing. Allele origin: germline. Affected: yes. Not counted in ClinVar's aggregate classification.
Comment: PVS1; PM2_supporting; PM5_PTC_Strong

Clinical Genetics Laboratory, Skane University Hospital Lund
Classification: Pathogenic. Last evaluated: 2024-02-02. Review status: criteria provided, single submitter. Criteria: ACMG Guidelines, 2015. Collection method: clinical testing. Allele origin: germline. Affected: yes. Not counted in ClinVar's aggregate classification.

Ambry Genetics
Classification: Pathogenic for Hereditary cancer-predisposing syndrome. Last evaluated: 2022-07-21. Review status: criteria provided, single submitter. Criteria: Ambry Variant Classification Scheme 2023. Collection method: clinical testing. Allele origin: germline. Not counted in ClinVar's aggregate classification.
Comment: The c.3530_3533delACAG pathogenic mutation, located in coding exon 10 of the BRCA2 gene, results from a deletion of 4 nucleotides at nucleotide positions 3530 to 3533, causing a translational frameshift with a predicted alternate stop codon (p.D1177Afs*19). This alteration has been identified in multiple families with Hereditary Breast and/or Ovarian Cancer (HBOC) (Peto J et al. J Natl Cancer Inst, 1999 Jun;91:943-9; Loizidou M et al. Clin Genet, 2007 Feb;71:165-70; Thomassen M et al. Acta Oncol, 2008;47:772-7; Rebbeck TR et al. Hum Mutat, 2018 05;39:593-620). Of note, this alteration is also known as 3758del4 and 3758delACAG. This variant is considered to be rare based on population cohorts in the Genome Aggregation Database (gnomAD). In addition to the clinical data presented in the literature, this alteration is expected to result in loss of function by premature protein truncation or nonsense-mediated mRNA decay. As such, this alteration is interpreted as a disease-causing mutation.

Baylor Genetics
Classification: Pathogenic for Familial cancer of breast. Last evaluated: 2021-06-04. Review status: criteria provided, single submitter. Criteria: ACMG Guidelines, 2015. Collection method: clinical testing. Allele origin: unknown. Not counted in ClinVar's aggregate classification.

Consortium of Investigators of Modifiers of BRCA1/2 (CIMBA), c/o University of Cambridge
Classification: Pathogenic for Breast-ovarian cancer, familial, susceptibility to, 2. Last evaluated: 2015-10-02. Review status: criteria provided, single submitter. Criteria: CIMBA Mutation Classification guidelines May 2016. Collection method: clinical testing. Allele origin: germline. Not counted in ClinVar's aggregate classification.

Literature cited by the submitters: PubMed 10359546 (cited by Color Diagnostics, LLC DBA Color Health and Ambry Genetics); PubMed 18465347 (cited by Color Diagnostics, LLC DBA Color Health and Ambry Genetics); PubMed 23704984 (cited by Color Diagnostics, LLC DBA Color Health); PubMed 27882536 (cited by Color Diagnostics, LLC DBA Color Health and Labcorp Genetics (formerly Invitae), Labcorp); PubMed 29446198 (cited by Color Diagnostics, LLC DBA Color Health and Ambry Genetics); PubMed 33471991 (cited by Color Diagnostics, LLC DBA Color Health); PubMed 20104584 (cited by Labcorp Genetics (formerly Invitae), Labcorp); PubMed 17250666 (cited by Ambry Genetics).

NM_000059.4(BRCA2):c.3530_3533del (p.Asp1177fs)

Gene: BRCA2 (BRCA2 DNA repair associated; plus strand). Cytogenetic location: 13q13.1.
Variant type: Deletion.
Coding change: c.3530_3533del on transcript NM_000059.4 (MANE Select); coding-DNA positions 3530 to 3533, 4 bases deleted (ACAG; older notation c.3530_3533delACAG).
Protein change: p.Asp1177fs; shifts the reading frame from aspartic acid 1177.
Molecular consequence: frameshift variant.
Genome position (GRCh38, 1-based): chr13:32,337,885-32,337,888, ACAG deleted; deleting any 4 consecutive bases within chr13:32,337,883-32,337,888 gives the same sequence; the c. name uses the placement nearest the transcript's 3' end. VCF-style (leftmost placement, unchanged base first): chr13-32337882-TAGAC-T. GRCh37 (hg19) VCF-style: chr13-32912019-TAGAC-T.
Other names: 3758del4; c.3530_3533delACAG (NM_000059.3); short protein forms D1177fs.
Identifiers: ClinVar variation 266757 (VCV000266757.22), dbSNP rs886040481, ClinGen allele CA10589209.